The following is an entry in ClinVar:

NM_005359.6(SMAD4):c.1070C>T (p.Ser357Phe)

Gene: SMAD4 (SMAD family member 4; plus strand). Cytogenetic location: 18q21.2.
Variant type: single nucleotide variant.
Coding change: c.1070C>T on transcript NM_005359.6 (MANE Select); coding-DNA position 1070, C replaced by T.
Protein change: p.Ser357Phe; replaces serine 357 with phenylalanine.
Molecular consequence: missense variant.
Genome position (GRCh38, 1-based): chr18:51,065,537, C>T. VCF-style: chr18-51065537-C-T. GRCh37 (hg19) VCF-style: chr18-48591907-C-T.
Other names: short protein forms S357F.
Identifiers: ClinVar variation 1057257 (VCV001057257.9), dbSNP rs2144447300, ClinGen allele CA402464332.

ClinVar aggregate classification (germline): Uncertain significance (1 of 4 stars; one submission).

Conditions:
Juvenile polyposis syndrome (JPS). Identifiers: Orphanet 2929, MedGen C0345893, MONDO:0017380, OMIM 174900.

Submission:

Labcorp Genetics (formerly Invitae), Labcorp
Classification: Uncertain significance for Juvenile polyposis syndrome. Last evaluated: 2024-03-04. Review status: criteria provided, single submitter. Criteria: Invitae Variant Classification Sherloc (09022015). Collection method: clinical testing. Allele origin: germline.
Comment: This sequence change replaces serine, which is neutral and polar, with phenylalanine, which is neutral and non-polar, at codon 357 of the SMAD4 protein (p.Ser357Phe). This variant is not present in population databases (gnomAD no frequency). This variant has not been reported in the literature in individuals affected with SMAD4-related conditions. ClinVar contains an entry for this variant (Variation ID: 1057257). Advanced modeling of protein sequence and biophysical properties (such as structural, functional, and spatial information, amino acid conservation, physicochemical variation, residue mobility, and thermodynamic stability) has been performed at Invitae for this missense variant, however the output from this modeling did not meet the statistical confidence thresholds required to predict the impact of this variant on SMAD4 protein function. In summary, the available evidence is currently insufficient to determine the role of this variant in disease. Therefore, it has been classified as a Variant of Uncertain Significance.